The following is an entry in ClinVar:

ClinVar aggregate classification (germline): Conflicting classifications of pathogenicity. Review status: criteria provided, conflicting classifications (1 of 4 stars). 2 submissions from 2 submitters: Uncertain significance (1); Likely benign (1). Last evaluated 2025-08-13.

Allele frequency attached by ClinVar (database versions not stated): gnomAD exomes 0.00013; gnomAD 0.00032; ESP Exome Variant Server 0.00038; TOPMed 0.00043; 1000 Genomes Project 0.00060; 1000 Genomes Project 30x 0.00062; ExAC 0.00012.
gnomAD v4.1: 239 of 1,614,110 alleles (0.015%); highest among the groups gnomAD compares: African/African-American, 0.087%; no homozygotes.

Submissions (2):

Ambry Genetics
Classification: Uncertain significance. Last evaluated: 2025-08-13. Review status: criteria provided, single submitter. Criteria: Ambry Variant Classification Scheme 2023. Collection method: clinical testing. Allele origin: germline.

CeGaT Center for Human Genetics Tuebingen
Classification: Likely benign. Last evaluated: 2023-04-01. Review status: criteria provided, single submitter. Criteria: CeGaT Center For Human Genetics Tuebingen Variant Classification Criteria Version 2. Collection method: clinical testing. Allele origin: germline. Affected: yes. Observed: 1 variant allele.
Comment: DLK2: BP4

NM_023932.4(DLK2):c.782A>T (p.Asp261Val)

Genes: ABCC10 (ATP binding cassette subfamily C member 10; plus strand), DLK2 (delta like non-canonical Notch ligand 2; minus strand). Cytogenetic location: 6p21.1.
Variant type: single nucleotide variant.
Coding change: c.782A>T on transcript NM_023932.4 (MANE Select); coding-DNA position 782, A replaced by T.
Protein change: p.Asp261Val; replaces aspartic acid 261 with valine.
Molecular consequence: missense variant.
Genome position (GRCh38, 1-based): chr6:43,450,909, T>A on the plus strand (A>T on the coding strand, the complement: DLK2 is on the minus strand). VCF-style: chr6-43450909-T-A. GRCh37 (hg19) VCF-style: chr6-43418647-T-A.
Other names: c.671A>T, p.Asp224Val (NM_001286655.1); c.764A>T, p.Asp255Val (NM_001286656.2); c.782A>T, p.Asp261Val (NM_206539.2); c.782A>T (NM_023932.2); short protein forms D224V, D255V, D261V.
Identifiers: ClinVar variation 2656602 (VCV002656602.25), dbSNP rs141543597, ClinGen allele CA3823839.
Genomic context (GRCh38, chr6:43,450,909, plus strand): 5'-CTGTGGGGGGCTGGCCCCGTGGCAGGTACCACTACAGCTGAGGTGGGCCCTAGAGGGGTG[T>A]CCACTGTGGTTGGGGGGTCTGGGACAGGTAAGACAAGCTCACAGGTCTTGCCACCATAGC-3'
Protein context (NP_076421.2, residues 251-271): LPVPDPPTTV[Asp261Val]TPLGPTSAVV